The following is an entry in ClinVar:

ClinVar aggregate classification (germline): Pathogenic (1 of 4 stars; one submission).

Conditions:
Spondyloepiphyseal dysplasia with congenital joint dislocations (SEDCJD). Also called: Chondrodysplasia with Congenital Joint Dislocations, CHST3-Related. Identifiers: Orphanet 263463, MedGen C1837657, MONDO:0007738, OMIM 143095.

gnomAD v4.1: 4 of 1,604,002 alleles (0.00025%); highest among the groups gnomAD compares: South Asian, 0.0044%; no homozygotes.

Submission:

Department of Medical Genetics, Sanjay Gandhi Post Graduate Institute of Medical Sciences
Classification: Pathogenic for Spondyloepiphyseal dysplasia with congenital joint dislocations. Review status: criteria provided, single submitter. Criteria: ACMG Guidelines, 2015. Collection method: clinical testing. Allele origin: inherited. Inheritance: Autosomal recessive inheritance. Affected: yes. Observed: 1 variant allele, 1 homozygote.
Comment: This missense variant was found to be pathogenic by various in silico tools, including MutationTaster, SIFT, and PolyPhen.

Literature cited by the submitters: PubMed 27753269.

NM_004273.5(CHST3):c.491C>T (p.Pro164Leu)

Gene: CHST3 (carbohydrate sulfotransferase 3; plus strand). Cytogenetic location: 10q22.1.
Variant type: single nucleotide variant.
Coding change: c.491C>T on transcript NM_004273.5 (MANE Select); coding-DNA position 491, C replaced by T.
Protein change: p.Pro164Leu; replaces proline 164 with leucine.
Molecular consequence: missense variant.
Genome position (GRCh38, 1-based): chr10:72,007,522, C>T. VCF-style: chr10-72007522-C-T. GRCh37 (hg19) VCF-style: chr10-73767280-C-T.
Other names: CHST3; short protein forms P164L.
Identifiers: ClinVar variation 478823 (VCV000478823.2), dbSNP rs771866012, ClinGen allele CA377144138.